The following is an entry in ClinVar:

NM_000089.4(COL1A2):c.2531G>C (p.Gly844Ala)

Gene: COL1A2 (collagen type I alpha 2 chain; plus strand). Cytogenetic location: 7q21.3.
Variant type: single nucleotide variant.
Coding change: c.2531G>C on transcript NM_000089.4 (MANE Select); coding-DNA position 2531, G replaced by C.
Protein change: p.Gly844Ala; replaces glycine 844 with alanine.
Molecular consequence: missense variant.
Genome position (GRCh38, 1-based): chr7:94,423,084, G>C. VCF-style: chr7-94423084-G-C. GRCh37 (hg19) VCF-style: chr7-94052396-G-C.
Other names: short protein forms G844A.
Identifiers: ClinVar variation 373093 (VCV000373093.13), dbSNP rs928361235, ClinGen allele CA16042607.

ClinVar aggregate classification (germline): Pathogenic/Likely pathogenic. Review status: criteria provided, multiple submitters, no conflicts (2 of 4 stars). 4 submissions from 4 submitters: Pathogenic (1); Likely pathogenic (3). Last evaluated 2025-08-22.

Conditions:
COL1A2-related disorder. Also called: COL1A2-related condition; COL1A2-Related Disorders.
Osteogenesis imperfecta type I (OI1). Also called: Lobstein disease; Lobstein's Disease; Osteogenesis imperfecta type 1; Classic Non-deforming Osteogenesis Imperfecta with Blue Sclerae; OI, TYPE I; OSTEOGENESIS IMPERFECTA TARDA. Identifiers: Orphanet 216796, Orphanet 666, MedGen C0023931, MONDO:0008146, OMIM 166200. Disease mechanism: loss of function.
Ehlers-Danlos syndrome, classic type, 1 (EDSCL1). Also called: Ehlers-Danlos syndrome, type 1; EHLERS-DANLOS SYNDROME, GRAVIS TYPE; EHLERS-DANLOS SYNDROME, SEVERE CLASSIC TYPE; Ehlers-Danlos Syndrome, Classic Type, COL5A1-Related; EDS I. Identifiers: MedGen C0268335, MONDO:0019567, OMIM 130000.

Allele frequency attached by ClinVar (database versions not stated): gnomAD 0.00001; gnomAD exomes 0.00001; TOPMed 0.00001.
gnomAD v4.1: 6 of 1,614,072 alleles (0.00037%); highest among the groups gnomAD compares: South Asian, 0.0011%; no homozygotes.

Submissions (4):

Labcorp Genetics (formerly Invitae), Labcorp
Classification: Likely pathogenic for Osteogenesis imperfecta type I; Ehlers-Danlos syndrome, classic type, 1. Last evaluated: 2025-08-22. Review status: criteria provided, single submitter. Criteria: Invitae Variant Classification Sherloc (09022015). Collection method: clinical testing. Allele origin: germline.
Comment: This sequence change replaces glycine, which is neutral and non-polar, with alanine, which is neutral and non-polar, at codon 844 of the COL1A2 protein (p.Gly844Ala). This variant is not present in population databases (gnomAD no frequency). This missense change has been observed in individual(s) with clinical features of COL1A2-related condition (internal data). ClinVar contains an entry for this variant (Variation ID: 373093). Invitae Evidence Modeling of protein sequence and biophysical properties (such as structural, functional, and spatial information, amino acid conservation, physicochemical variation, residue mobility, and thermodynamic stability) indicates that this missense variant is expected to disrupt COL1A2 protein function with a positive predictive value of 95%. This variant disrupts the triple helix domain of COL1A2. Glycine residues within the Gly-Xaa-Yaa repeats of the triple helix domain are required for the structure and stability of fibrillar collagens (PMID: 7695699, 8218237, 19344236). In COL1A2, variants affecting these glycine residues are significantly enriched in individuals with disease (PMID: 9016532, 17078022) compared to the general population (ExAC). This variant disrupts the p.Gly844 amino acid residue in COL1A2. Other variant(s) that disrupt this residue have been observed in individuals with COL1A2-related conditions (PMID: 26627451), which suggests that this may be a clinically significant amino acid residue. In summary, the currently available evidence indicates that the variant is pathogenic, but additional data are needed to prove that conclusively. Therefore, this variant has been classified as Likely Pathogenic.

Blueprint Genetics
Classification: Likely pathogenic for COL1A2-related disorders. Last evaluated: 2021-09-08. Review status: criteria provided, single submitter. Criteria: ACMG Guidelines, 2015. Collection method: clinical testing. Allele origin: germline. Affected: yes. Observed: 2 variant alleles.

GeneDx
Classification: Likely pathogenic. Last evaluated: 2016-11-07. Review status: criteria provided, single submitter. Criteria: GeneDx Variant Classification (06012015). Collection method: clinical testing. Allele origin: germline. Affected: yes.
Comment: The G844A variant in the COL1A2 gene has not been reported previously as a pathogenic variant, nor as a benign variant, to our knowledge. The G844A variant was not observed in approximately 6,500 individuals of European and African American ancestry in the NHLBI Exome Sequencing Project, indicating it is not a common benign variant in these populations. The G844A variant is a conservative amino acid substitution, which is not likely to impact secondary protein structure as these residues share similar properties. However, the G844A variant results in substitution for glycine within the triple helical domain and occurs at a position that is conserved across species. In silico analysis predicts this variant is probably damaging to the protein structure/function. Missense variants in the same and nearby residues (G841S, G844D, G847R) have been reported in the Human Gene Mutation Database in association with osteogenesis imperfecta (Stenson et al., 2014), supporting the functional importance of this region of the protein. The G844A variant is a strong candidate for a pathogenic variant, however the possibility it may be a rare benign variant cannot be excluded.

Clinical Biomedical Laboratory, Shriners Hospital For Children - Canada
Classification: Pathogenic for Osteogenesis imperfecta type I. Review status: criteria provided, single submitter. Criteria: ACMG Guidelines, 2015. Collection method: clinical testing. Allele origin: germline. Affected: yes.
Comment: This variant is predicted to substitute a glycine residue by an alanine residue in the triple helical domain of the collagen type I alpha 2 chain. The variant is absent in the Genome Aggregation Database (v2.1.1), indicating it is very rare. Computational tools (REVEL: 0.98) suggest that the amino acid change is deleterious to protein function. Based on the ACMG variant interpretation guidelines (criteria: PS3, PM2, PM5, PP2, PP3), the available evidence supports classification of this variant as pathogenic.

Literature cited by the submitters: PubMed 7695699 (cited by Labcorp Genetics (formerly Invitae), Labcorp); PubMed 8218237 (cited by Labcorp Genetics (formerly Invitae), Labcorp); PubMed 19344236 (cited by Labcorp Genetics (formerly Invitae), Labcorp); PubMed 9016532 (cited by Labcorp Genetics (formerly Invitae), Labcorp); PubMed 17078022 (cited by Labcorp Genetics (formerly Invitae), Labcorp); PubMed 26627451 (cited by Labcorp Genetics (formerly Invitae), Labcorp).